The following is an entry in ClinVar:

ClinVar aggregate classification (germline): Uncertain significance (1 of 4 stars; one submission).

Submission:

Ambry Genetics
Classification: Uncertain significance. Last evaluated: 2022-01-21. Review status: criteria provided, single submitter. Criteria: Ambry Variant Classification Scheme 2023. Collection method: clinical testing. Allele origin: germline.
Comment: The p.A80G variant (also known as c.239C>G), located in coding exon 4 of the NPAT gene, results from a C to G substitution at nucleotide position 239. The alanine at codon 80 is replaced by glycine, an amino acid with similar properties. This amino acid position is conserved. In addition, this alteration is predicted to be tolerated by in silico analysis. Since supporting evidence is limited at this time, the clinical significance of this alteration remains unclear.

NM_002519.3(NPAT):c.239C>G (p.Ala80Gly)

Gene: NPAT (nuclear protein, coactivator of histone transcription; minus strand). Cytogenetic location: 11q22.3.
Variant type: single nucleotide variant.
Coding change: c.239C>G on transcript NM_002519.3 (MANE Select); coding-DNA position 239, C replaced by G.
Protein change: p.Ala80Gly; replaces alanine 80 with glycine.
Molecular consequence: missense variant.
Genome position (GRCh38, 1-based): chr11:108,192,169, G>C on the plus strand (C>G on the coding strand, the complement: NPAT is on the minus strand). VCF-style: chr11-108192169-G-C. GRCh37 (hg19) VCF-style: chr11-108062896-G-C.
Other names: c.239C>G, p.Ala80Gly (NM_001321307.1); short protein forms A80G.
Identifiers: ClinVar variation 1790677 (VCV001790677.2), dbSNP rs2496751405, ClinGen allele CA382526698.